The following is an entry in ClinVar:

ClinVar aggregate classification (germline): Uncertain significance (1 of 4 stars; one submission).

Conditions:
Congenital disorder of glycosylation, type IIq. Also called: CDG IIq. Identifiers: Orphanet 435934, MedGen C4479353, MONDO:0054559, OMIM 617395.

Allele frequency attached by ClinVar (database versions not stated): TOPMed 0.00002; ExAC 0.00003; gnomAD exomes 0.00006.
gnomAD v4.1: 29 of 1,563,580 alleles (0.0019%); highest among the groups gnomAD compares: Admixed American, 0.013%; no homozygotes.

Submission:

Labcorp Genetics (formerly Invitae), Labcorp
Classification: Uncertain significance for Congenital disorder of glycosylation, type IIq. Last evaluated: 2024-10-22. Review status: criteria provided, single submitter. Criteria: Invitae Variant Classification Sherloc (09022015). Collection method: clinical testing. Allele origin: germline.
Comment: This sequence change replaces arginine, which is basic and polar, with tryptophan, which is neutral and slightly polar, at codon 138 of the COG2 protein (p.Arg138Trp). This variant is present in population databases (rs748137002, gnomAD 0.03%). This variant has not been reported in the literature in individuals affected with COG2-related conditions. ClinVar contains an entry for this variant (Variation ID: 1352034). Invitae Evidence Modeling of protein sequence and biophysical properties (such as structural, functional, and spatial information, amino acid conservation, physicochemical variation, residue mobility, and thermodynamic stability) indicates that this missense variant is expected to disrupt COG2 protein function with a positive predictive value of 80%. In summary, the available evidence is currently insufficient to determine the role of this variant in disease. Therefore, it has been classified as a Variant of Uncertain Significance.

NM_007357.3(COG2):c.412C>T (p.Arg138Trp)

Gene: COG2 (component of oligomeric golgi complex 2; plus strand). Cytogenetic location: 1q42.2.
Variant type: single nucleotide variant.
Coding change: c.412C>T on transcript NM_007357.3 (MANE Select); coding-DNA position 412, C replaced by T.
Protein change: p.Arg138Trp; replaces arginine 138 with tryptophan.
Molecular consequence: missense variant.
Genome position (GRCh38, 1-based): chr1:230,664,514, C>T. VCF-style: chr1-230664514-C-T. GRCh37 (hg19) VCF-style: chr1-230800260-C-T.
Other names: c.412C>T, p.Arg138Trp (NM_001145036.2); short protein forms R138W.
Identifiers: ClinVar variation 1352034 (VCV001352034.8), dbSNP rs748137002, ClinGen allele CA1447410.
Genomic context (GRCh38, chr1:230,664,514, plus strand): 5'-ATAACTTTTTTCCTTAATTTTTATTTATAGATGTGTGTATTGAGGCTTATACAAGTTATT[C>T]GGTCAGTTGAGAAAATTGAAAAAATCTTAAACTCTCAAAGTTCTAAAGAAACCTCTGCAC-3'
Protein context (NP_031383.1, residues 128-148): MCVLRLIQVI[Arg138Trp]SVEKIEKILN